The following is an entry in ClinVar:

NM_001099857.5(IKBKG):c.768+5G>A

Gene: IKBKG (inhibitor of nuclear factor kappa B kinase regulatory subunit gamma; plus strand). Cytogenetic location: Xq28.
Variant type: single nucleotide variant.
Coding change: c.768+5G>A on transcript NM_001099857.5 (MANE Select); 5 bases into the intron after coding-DNA position 768, G replaced by A.
Molecular consequence: intron variant.
Genome position (GRCh38, 1-based): chrX:154,561,789, G>A. VCF-style: chrX-154561789-G-A. GRCh37 (hg19) VCF-style: chrX-153790004-G-A.
Other names: IVS6DS, G-A, +5; c.768+5G>A (NM_001377312.1, NM_001321396.3, NM_003639.4); c.765+5G>A (NM_001377313.1, NM_001321397.3); c.972+5G>A (NM_001099856.6); c.615+5G>A (NM_001145255.4); c.612+5G>A (NM_001377314.1); c.400-1021G>A (NM_001377315.1).
Identifiers: ClinVar variation 11462 (VCV000011462.6), dbSNP rs1569556603, ClinGen allele CA913184764.
Genomic context (GRCh38, chrX:154,561,789, plus strand): 5'-TCCAAGAATACGACAACCACATCAAGAGCAGCGTGGTGGGCAGTGAGCGGAAGCGAGTGA[G>A]TGCGACCACTGGGGCTCTAGGGCTGGCCTTGCCTCTTCCTCTCCCCGTGGCCCTGAACCT-3'

ClinVar aggregate classification (germline): Likely pathogenic. Review status: criteria provided, single submitter (1 of 4 stars). 2 submissions from 2 submitters: Likely pathogenic (1). 1 of the submissions does not count toward it. Last evaluated 2025-11-13.

Conditions:
Ectodermal dysplasia and immunodeficiency 1 (EDAID1). Also called: ECTODERMAL DYSPLASIA AND IMMUNE DEFICIENCY 1; ECTODERMAL DYSPLASIA, ANHIDROTIC, WITH IMMUNE DEFICIENCY; Hyper-IgM immunodeficiency, X-linked, with hypohidrotic ectodermal dysplasia. Identifiers: Orphanet 238468, Orphanet 98813, MedGen C1846008, MONDO:0020740, OMIM 300291.

Submissions (2):

GeneDx
Classification: Likely pathogenic. Last evaluated: 2025-11-13. Review status: criteria provided, single submitter. Criteria: GeneDx Variant Classification Process June 2021. Collection method: clinical testing. Allele origin: germline.
Comment: RNA studies demonstrate a damaging effect as this variant leads to in-frame skipping of exons 4-6 (PMID: 16333836); In silico analysis supports a deleterious effect on splicing; No data available from control populations to assess the frequency of this variant; This variant is associated with the following publications: (PMID: 16333836, Mori2022[article], 117248, 28679735, 34815879, 40492688)

OMIM
Classification: Pathogenic for ECTODERMAL DYSPLASIA AND IMMUNODEFICIENCY 1. Last evaluated: 2006-01-01. Review status: no assertion criteria provided. Collection method: literature only. Allele origin: germline. Not counted in ClinVar's aggregate classification.

Literature cited by the submitters: PubMed 117248 (cited by OMIM); PubMed 16333836 (cited by OMIM).